The following is an entry in ClinVar:

NM_001166114.2(PNPLA6):c.171A>C (p.Gly57=)

Gene: PNPLA6 (patatin like domain 6, lysophospholipase; plus strand). Cytogenetic location: 19p13.2.
Variant type: single nucleotide variant.
Coding change: c.171A>C on transcript NM_001166114.2 (MANE Select); coding-DNA position 171, A replaced by C.
Protein change: p.Gly57=; no amino-acid change (glycine 57 retained).
Molecular consequence: synonymous variant.
Genome position (GRCh38, 1-based): chr19:7,535,959, A>C. VCF-style: chr19-7535959-A-C. GRCh37 (hg19) VCF-style: chr19-7600845-A-C.
Other names: c.198A>C (NM_001166111.1); c.198A>C, p.Gly66= (NM_001166111.2); c.54A>C, p.Gly18= (NM_001166112.2, NM_001166113.1, NM_006702.5).
Identifiers: ClinVar variation 469623 (VCV000469623.16), dbSNP rs140825810, ClinGen allele CA9139349.
Genomic context (GRCh38, chr19:7,535,959, plus strand): 5'-TTGCGGTGCGCAGCCAGTGCCGTTCGTCCCTCAGGTGCTTGGCGTGATGATCGGGGCCGG[A>C]GTGGCGGTGGTGGTCACGGCCGTGCTCATCCTCCTGGTGGTGCGGAGGCTGCGAGTGCCA-3'
Protein context (NP_001159586.1, residues 47-67): PQVLGVMIGA[Gly57=]VAVVVTAVLI

ClinVar aggregate classification (germline): Conflicting classifications of pathogenicity. Review status: criteria provided, conflicting classifications (1 of 4 stars). 4 submissions from 4 submitters: Uncertain significance (1); Benign (1); Likely benign (2). Last evaluated 2026-01-11.

Conditions:
PNPLA6-related disorder. Also called: PNPLA6-related condition; PNPLA6-related disorders.
Hereditary spastic paraplegia 39 (SPG39). Also called: SPASTIC PARAPLEGIA 39, AUTOSOMAL RECESSIVE; Spastic Paraplegia Type 39 (SPG39). Identifiers: Orphanet 139480, MedGen C2677586, MONDO:0012787, OMIM 612020.

Allele frequency attached by ClinVar (database versions not stated): gnomAD exomes 0.00017; 1000 Genomes Project 0.00040; ExAC 0.00044; gnomAD 0.00046; 1000 Genomes Project 30x 0.00047; TOPMed 0.00053; ESP Exome Variant Server 0.00069.
gnomAD v4.1: 158 of 1,585,170 alleles (0.01%); highest among the groups gnomAD compares: African/African-American, 0.19%; no homozygotes.

Submissions (4):

Labcorp Genetics (formerly Invitae), Labcorp
Classification: Benign for Hereditary spastic paraplegia 39. Last evaluated: 2026-01-11. Review status: criteria provided, single submitter. Criteria: Invitae Variant Classification Sherloc (09022015). Collection method: clinical testing. Allele origin: germline.

PreventionGenetics, part of Exact Sciences
Classification: Likely benign for PNPLA6-related condition. Last evaluated: 2025-03-19. Review status: criteria provided, single submitter. Criteria: ACMG Guidelines, 2015. Collection method: clinical testing. Allele origin: germline.
Comment: This variant is classified as likely benign based on ACMG/AMP sequence variant interpretation guidelines (Richards et al. 2015 PMID: 25741868, with internal and published modifications).

Blueprint Genetics
Classification: Likely benign. Last evaluated: 2024-10-09. Review status: criteria provided, single submitter. Criteria: ACMG Guidelines, 2015. Collection method: clinical testing. Allele origin: germline.

Eurofins Ntd Llc (ga)
Classification: Uncertain significance. Last evaluated: 2017-04-17. Review status: criteria provided, single submitter. Criteria: EGL Classification Definitions 2015. Collection method: clinical testing. Allele origin: germline. Observed: 1 variant allele, 1 heterozygote.